The following is an entry in ClinVar:

NM_002582.4(PARN):c.1262+4A>G

Gene: PARN (poly(A)-specific ribonuclease; minus strand). Cytogenetic location: 16p13.12.
Variant type: single nucleotide variant.
Coding change: c.1262+4A>G on transcript NM_002582.4 (MANE Select); 4 bases into the intron after coding-DNA position 1262, A replaced by G.
Molecular consequence: intron variant.
Genome position (GRCh38, 1-based): chr16:14,580,870, T>C on the plus strand (A>G on the coding strand, the complement: PARN is on the minus strand). VCF-style: chr16-14580870-T-C. GRCh37 (hg19) VCF-style: chr16-14674727-T-C.
Other names: c.1079+4A>G (NM_001134477.3); c.1124+4A>G (NM_001242992.2).
Identifiers: ClinVar variation 2077888 (VCV002077888.4), dbSNP rs760564467, ClinGen allele CA7912101.

ClinVar aggregate classification (germline): Uncertain significance (1 of 4 stars; one submission).

Conditions:
Dyskeratosis congenita, autosomal recessive 6 (DKCB6). Identifiers: MedGen C4225356, MONDO:0014600, OMIM 616353.
Pulmonary fibrosis and/or bone marrow failure, Telomere-related, 4. Also called: PULMONARY FIBROSIS AND/OR BONE MARROW FAILURE SYNDROME, TELOMERE-RELATED, 4. Identifiers: Orphanet 2032, MedGen C4225347, MONDO:0014612, OMIM 616371.

Allele frequency attached by ClinVar (database versions not stated): ExAC 0.00001; gnomAD 0.00001; TOPMed 0.00001; gnomAD exomes 0.00002.
gnomAD v4.1: 26 of 1,581,162 alleles (0.0016%); highest among the groups gnomAD compares: Non-Finnish European, 0.0022%; no homozygotes.

Submission:

Labcorp Genetics (formerly Invitae), Labcorp
Classification: Uncertain significance for Dyskeratosis congenita, autosomal recessive 6; Pulmonary fibrosis and/or bone marrow failure, Telomere-related, 4. Last evaluated: 2024-08-02. Review status: criteria provided, single submitter. Criteria: Invitae Variant Classification Sherloc (09022015). Collection method: clinical testing. Allele origin: germline.
Comment: This sequence change falls in intron 18 of the PARN gene. It does not directly change the encoded amino acid sequence of the PARN protein. It affects a nucleotide within the consensus splice site. This variant is present in population databases (rs760564467, gnomAD 0.0009%). This variant has not been reported in the literature in individuals affected with PARN-related conditions. ClinVar contains an entry for this variant (Variation ID: 2077888). Variants that disrupt the consensus splice site are a relatively common cause of aberrant splicing (PMID: 17576681, 9536098). Algorithms developed to predict the effect of sequence changes on RNA splicing suggest that this variant may disrupt the consensus splice site. In summary, the available evidence is currently insufficient to determine the role of this variant in disease. Therefore, it has been classified as a Variant of Uncertain Significance.

Literature cited by the submitters: PubMed 17576681; PubMed 9536098.